The following is an entry in ClinVar:

ClinVar aggregate classification (germline): Pathogenic/Likely pathogenic. Review status: criteria provided, multiple submitters, no conflicts (2 of 4 stars). 12 submissions from 10 submitters: Pathogenic (8); Likely pathogenic (1). 3 of the submissions do not count toward it. Last evaluated 2026-04-21.

Conditions:
Vitelliform macular dystrophy 3 (VMD3). Also called: PRPH2 vitelliform macular dystrophy; vitelliform macular dystrophy caused by mutation in PRPH2. Identifiers: MedGen CN295869, MONDO:0024561, OMIM 608161.
Patterned dystrophy of the retinal pigment epithelium (MDPT1). Identifiers: Orphanet 63454, MedGen C1868569, MONDO:0018973.
PRPH2-related disorder. Also called: PRPH2-related condition; PRPH2-related disorders. Identifiers: MedGen CN239395.
Stargardt disease (FFM). Also called: Fundus flavimaculatus; Stargardt's disease. Identifiers: Orphanet 827, MedGen C0271093, MONDO:0019353.
Vitelliform macular dystrophy 2. Also called: Best Vitelliform Macular Dystrophy (BVMD); VITELLIFORM MACULAR DYSTROPHY, EARLY-ONSET; VITELLIFORM MACULAR DYSTROPHY, JUVENILE-ONSET; Best vitelliform macular dystrophy, multifocal; MACULAR DEGENERATION, POLYMORPHIC VITELLINE; Best Macular Dystrophy. Identifiers: Orphanet 1243, MedGen C2745945, MONDO:0007931, OMIM 153700.

Allele frequency attached by ClinVar (database versions not stated): gnomAD exomes below 0.00001.
gnomAD v4.1: 2 of 1,614,186 alleles (0.00012%); highest among the groups gnomAD compares: Non-Finnish European, 0.00017%; no homozygotes.

Submissions (12):

PreventionGenetics, part of Exact Sciences
Classification: Pathogenic for PRPH2-related condition. Last evaluated: 2026-04-21. Review status: criteria provided, single submitter. Criteria: ACMG Guidelines, 2015. Collection method: clinical testing. Allele origin: germline.
Comment: The PRPH2 c.629C>G variant is predicted to result in the amino acid substitution p.Pro210Arg. This variant has been reported many times in the heterozygous state in individuals with PRPH2-related retinal dystrophies, including adult vitelliform macular degeneration (AVMD), cone-rod dystrophy (CRD), pattern dystrophy, retinitis pigmentosa, and pseudo-Stargardt disease (Feist et al. 1994. PubMed ID: 7519821; Gorin et al. 1995. PubMed ID: 7862413; Sohocki et al. 2001. PubMed ID: 11139241; Zhuk et al. 2006. PubMed ID: 16885924; Boon et al. 2007. PubMed ID: 17504850). An alternate substitution of this amino acid residue (p.Pro210Leu) has also been reported many times in individuals with retinal disease (see for example: Sohocki et al. 2001. PubMed ID: 11139241). This variant is absent in a large population database (gnomAD), indicating this variant is rare. This variant is interpreted as pathogenic.

Labcorp Genetics (formerly Invitae), Labcorp
Classification: Pathogenic for PRPH2-related disorder. Last evaluated: 2025-12-21. Review status: criteria provided, single submitter. Criteria: Invitae Variant Classification Sherloc (09022015). Collection method: clinical testing. Allele origin: germline.
Comment: This sequence change replaces proline, which is neutral and non-polar, with arginine, which is basic and polar, at codon 210 of the PRPH2 protein (p.Pro210Arg). This variant is not present in population databases (gnomAD no frequency). This missense change has been observed in individuals with autosomal dominant retinal disease (PMID: 7862413, 11139241, 17504850). It has also been observed to segregate with disease in related individuals. ClinVar contains an entry for this variant (Variation ID: 13173). Invitae Evidence Modeling of protein sequence and biophysical properties (such as structural, functional, and spatial information, amino acid conservation, physicochemical variation, residue mobility, and thermodynamic stability) indicates that this missense variant is expected to disrupt PRPH2 protein function with a positive predictive value of 95%. For these reasons, this variant has been classified as Pathogenic.

3billion
Classification: Pathogenic for PRPH2-related disorder. Last evaluated: 2025-12-15. Review status: criteria provided, single submitter. Criteria: ACMG Guidelines, 2015. Collection method: clinical testing. Allele origin: germline. Affected: yes.
Comment: The variant is observed at an extremely low frequency in the gnomAD v4.1.0 dataset (total allele frequency: <0.001%). Predicted Consequence/Location: The variant is located in a mutational hot spot and/or well-established functional domain in which established pathogenic variants have been reported (PMID: 38474159). In silico tool predictions suggest damaging effect of the variant on gene or gene product [REVEL: 0.89 (>=0.6, sensitivity 0.68 and specificity 0.92); 3Cnet: 0.99 (> 0.75, sensitivity 0.96 and precision 0.92)]. The same nucleotide change resulting in the same amino acid change has been previously reported as pathogenic/likely pathogenic with strong evidence (ClinVar ID: VCV000013173 /PMID: 7519821 /3billion dataset). The variant has been observed in at least two similarly affected unrelated individuals (PMID: 11139241, 17504850, 7519821). The variant has been reported to co-segregate with the disease in at least 7 similarly affected relatives/individuals in at least two unrelated families (PMID: 7519821). Different missense changes at the same codon (p.Pro210Ala, p.Pro210Leu, p.Pro210Ser) have been reported as pathogenic/likely pathogenic with strong evidence (ClinVar ID: VCV000098686, VCV000098687, VCV001067912 /PMID: 11139241, 8045710). Therefore, this variant is classified as Pathogenic according to the recommendation of ACMG/AMP guideline.

Blueprint Genetics
Classification: Pathogenic for PRPH2-related disorders. Last evaluated: 2022-12-01. Review status: criteria provided, single submitter. Criteria: ACMG Guidelines, 2015. Collection method: clinical testing. Allele origin: germline. Affected: yes. Observed: 5 variant alleles.

GeneDx
Classification: Pathogenic. Last evaluated: 2022-03-02. Review status: criteria provided, single submitter. Criteria: GeneDx Variant Classification Process June 2021. Collection method: clinical testing. Allele origin: germline. Affected: yes.
Comment: In silico analysis, which includes protein predictors and evolutionary conservation, supports a deleterious effect; Not observed at significant frequency in large population cohorts (gnomAD); This variant is associated with the following publications: (PMID: 7519821, 17504850, 11139241, 25082885, 16885924, 21071739, 16799052, 22863181, 7862413, 32531846)

NEI Ophthalmic Genomics Laboratory, National Institutes of Health
Classification: Pathogenic for Stargardt disease. Last evaluated: 2020-01-07. Review status: criteria provided, single submitter. Criteria: ACMG Guidelines, 2015. Collection method: clinical testing. Allele origin: germline. Affected: yes.
Comment: The variant NM_000322.4:c.629C>G in the PRPH2 gene has been previously studied(PMIDs 7519821, 25082885). We found this variant in 7 patient(s) in a PRPH2 cohort study (Reeves et al. 2020). This variant is listed in dbSNP and/or HGMD (rs61755798,CM941210). It is absent in gnomAD browser. It is enriched in the PRPH2 disease cohort. We invoked ACMG criteria [PS4, PP1-S, PM1, PM2, PM5, PP3, PP5] and classified NM_000322.4:c.629C>G in the PRPH2 gene as a Pathogenic mutation.

NEI Ophthalmic Genomics Laboratory, National Institutes of Health
Classification: Pathogenic for Patterned dystrophy of the retinal pigment epithelium. Last evaluated: 2020-01-07. Review status: criteria provided, single submitter. Criteria: ACMG Guidelines, 2015. Collection method: clinical testing. Allele origin: germline. Affected: yes.
Comment: the same text as in the submission from NEI Ophthalmic Genomics Laboratory, National Institutes of Health above.

NEI Ophthalmic Genomics Laboratory, National Institutes of Health
Classification: Pathogenic for Vitelliform macular dystrophy 2. Last evaluated: 2020-01-07. Review status: criteria provided, single submitter. Criteria: ACMG Guidelines, 2015. Collection method: clinical testing. Allele origin: germline. Affected: yes.
Comment: the same text as in the submission from NEI Ophthalmic Genomics Laboratory, National Institutes of Health above.

Illumina Laboratory Services, Illumina
Classification: Likely pathogenic for PRPH2-Related Disorders. Last evaluated: 2018-09-26. Review status: criteria provided, single submitter. Criteria: ICSL Variant Classification Criteria 09 May 2019. Collection method: clinical testing. Allele origin: germline.
Comment: The PRPH2 c.629C>G (p.Pro210Arg) variant is a missense variant that has been reported in four studies, where it was found in a total of six individuals with PRPH2-related disorders, including one homozygote and five heterozygotes (Feist et al. 1994; Gorin et al. 1995; Zhuk et al. 2006; Duncan et al. 2011). The family of one individual reported by Gorin et al. (1995) included at least 10 affected and three unaffected individuals who carried the variant, demonstrating unclear segregation. The p.Pro210Arg variant was absent from 127 controls in the above studies, and it is not reported in the 1000 Genomes Project, the Exome Sequencing Project, or the Exome Aggregation Consortium despite being located in a region of good sequencing coverage. Therefore, the variant is presumed to be rare. Based on the evidence, the p.Pro210Arg variant is classified as likely pathogenic for PRPH2-related disorders. This variant was observed by ICSL as part of a predisposition screen in an ostensibly healthy population.

Leiden Open Variation Database
Classification: Likely pathogenic. Last evaluated: 2021-04-06. Review status: no assertion criteria provided. Collection method: curation. Allele origin: germline. Affected: yes. Not counted in ClinVar's aggregate classification.
Comment: Curator: Global Variome, with Curator vacancy. Submitters to LOVD: Julia Lopez, Manon Peeters.

OMIM
Classification: Pathogenic for MACULAR DYSTROPHY, VITELLIFORM, 3. Last evaluated: 1995-02-01. Review status: no assertion criteria provided. Collection method: literature only. Allele origin: germline. Not counted in ClinVar's aggregate classification.

Retina International
No classification provided. Review status: no classification provided. Collection method: not provided. Allele origin: not provided. Not counted in ClinVar's aggregate classification.

Literature cited by the submitters: PubMed 7862413 (cited by 4 submitters); PubMed 11139241 (cited by 3 submitters); PubMed 17504850 (cited by 3 submitters); PubMed 7519821 (cited by 4 submitters); PubMed 22863181 (cited by Illumina Laboratory Services, Illumina and Leiden Open Variation Database); PubMed 21071739 (cited by Illumina Laboratory Services, Illumina and Leiden Open Variation Database); PubMed 16885924 (cited by Illumina Laboratory Services, Illumina and Leiden Open Variation Database); PubMed 16799052 (cited by Leiden Open Variation Database); PubMed 25082885 (cited by Leiden Open Variation Database); PubMed 32531846 (cited by Leiden Open Variation Database); PubMed 4142662 (cited by OMIM).

NM_000322.5(PRPH2):c.629C>G (p.Pro210Arg)

Gene: PRPH2 (peripherin 2; minus strand). Cytogenetic location: 6p21.1.
Variant type: single nucleotide variant.
Coding change: c.629C>G on transcript NM_000322.5 (MANE Select); coding-DNA position 629, C replaced by G.
Protein change: p.Pro210Arg; replaces proline 210 with arginine.
Molecular consequence: missense variant.
Genome position (GRCh38, 1-based): chr6:42,704,564, G>C on the plus strand (C>G on the coding strand, the complement: PRPH2 is on the minus strand). VCF-style: chr6-42704564-G-C. GRCh37 (hg19) VCF-style: chr6-42672302-G-C.
Other names: short protein forms P210R.
Identifiers: ClinVar variation 13173 (VCV000013173.21), dbSNP rs61755798, ClinGen allele CA122938.